The following is an entry in ClinVar:

ClinVar aggregate classification (germline): Uncertain significance. Review status: criteria provided, multiple submitters, no conflicts (2 of 4 stars). 2 submissions from 2 submitters: Uncertain significance (2). Last evaluated 2025-02-07.

Conditions:
Hereditary cancer-predisposing syndrome. Also called: Hereditary Cancer Syndrome; Hereditary neoplastic syndrome; Neoplastic Syndromes, Hereditary; Tumor predisposition. Identifiers: Orphanet 140162, MedGen C0027672, MeSH D009386, MONDO:0015356.

Allele frequency attached by ClinVar (database versions not stated): gnomAD exomes below 0.00001; gnomAD 0.00001; TOPMed 0.00002.
gnomAD v4.1: 3 of 1,613,886 alleles (0.00019%); highest among the groups gnomAD compares: Admixed American, 0.0017%; no homozygotes.

Submissions (2):

Ambry Genetics
Classification: Uncertain significance for Hereditary cancer-predisposing syndrome. Last evaluated: 2025-02-07. Review status: criteria provided, single submitter. Criteria: Ambry Variant Classification Scheme 2023. Collection method: clinical testing. Allele origin: germline.

Labcorp Genetics (formerly Invitae), Labcorp
Classification: Uncertain significance for Hereditary cancer-predisposing syndrome. Last evaluated: 2024-10-28. Review status: criteria provided, single submitter. Criteria: Invitae Variant Classification Sherloc (09022015). Collection method: clinical testing. Allele origin: germline.
Comment: This sequence change replaces serine, which is neutral and polar, with arginine, which is basic and polar, at codon 128 of the RAD50 protein (p.Ser128Arg). This variant is not present in population databases (gnomAD no frequency). This variant has not been reported in the literature in individuals affected with RAD50-related conditions. ClinVar contains an entry for this variant (Variation ID: 408392). Invitae Evidence Modeling of protein sequence and biophysical properties (such as structural, functional, and spatial information, amino acid conservation, physicochemical variation, residue mobility, and thermodynamic stability) indicates that this missense variant is expected to disrupt RAD50 protein function with a positive predictive value of 80%. In summary, the available evidence is currently insufficient to determine the role of this variant in disease. Therefore, it has been classified as a Variant of Uncertain Significance.

NM_005732.4(RAD50):c.384T>G (p.Ser128Arg)

Gene: RAD50 (RAD50 double strand break repair protein; plus strand). Cytogenetic location: 5q31.1.
Variant type: single nucleotide variant.
Coding change: c.384T>G on transcript NM_005732.4 (MANE Select); coding-DNA position 384, T replaced by G.
Protein change: p.Ser128Arg; replaces serine 128 with arginine.
Molecular consequence: missense variant.
Genome position (GRCh38, 1-based): chr5:132,579,335, T>G. VCF-style: chr5-132579335-T-G. GRCh37 (hg19) VCF-style: chr5-131915027-T-G.
Other names: short protein forms S128R.
Identifiers: ClinVar variation 408392 (VCV000408392.18), dbSNP rs893327360, ClinGen allele CA16611942.